The following is an entry in ClinVar:

ClinVar aggregate classification (germline): Uncertain significance (1 of 4 stars; one submission).

Submission:

CeGaT Center for Human Genetics Tuebingen
Classification: Uncertain significance. Last evaluated: 2026-04-01. Review status: criteria provided, single submitter. Criteria: CeGaT Center For Human Genetics Tuebingen Variant Classification Criteria Version 2. Collection method: clinical testing. Allele origin: germline. Affected: yes. Observed: 1 variant allele.
Comment: COL1A1: PM2

NM_000088.4(COL1A1):c.2277A>T (p.Lys759Asn)

Gene: COL1A1 (collagen type I alpha 1 chain; minus strand). Cytogenetic location: 17q21.33.
Variant type: single nucleotide variant.
Coding change: c.2277A>T on transcript NM_000088.4 (MANE Select); coding-DNA position 2277, A replaced by T.
Protein change: p.Lys759Asn; replaces lysine 759 with asparagine.
Molecular consequence: missense variant.
Genome position (GRCh38, 1-based): chr17:50,190,883, T>A on the plus strand (A>T on the coding strand, the complement: COL1A1 is on the minus strand). VCF-style: chr17-50190883-T-A. GRCh37 (hg19) VCF-style: chr17-48268244-T-A.
Other names: short protein forms K759N.
Identifiers: ClinVar variation 4874769 (VCV004874769.2).